The following is an entry in ClinVar:

NM_205836.3(FBXO38):c.199T>A (p.Tyr67Asn)

Gene: FBXO38 (F-box protein 38; plus strand). Cytogenetic location: 5q32.
Variant type: single nucleotide variant.
Coding change: c.199T>A on transcript NM_205836.3 (MANE Select); coding-DNA position 199, T replaced by A.
Protein change: p.Tyr67Asn; replaces tyrosine 67 with asparagine.
Molecular consequence: missense variant.
Genome position (GRCh38, 1-based): chr5:148,399,069, T>A. VCF-style: chr5-148399069-T-A. GRCh37 (hg19) VCF-style: chr5-147778632-T-A.
Other names: c.199T>A, p.Tyr67Asn (NM_001271723.2, NM_030793.5); short protein forms Y67N.
Identifiers: ClinVar variation 1015340 (VCV001015340.10), dbSNP rs1751991718, ClinGen allele CA361654206.
Genomic context (GRCh38, chr5:148,399,069, plus strand): 5'-CTGCAGGATATCATGTGTATGGAATGTCTTTCCCGGAAGCTAAAGGAAGCAGTGACCCTA[T>A]ATCTGCGAGTTGTGAGAGTTGTAGATCTCTGTGCAGGGCGGTGGTGGGAATACATGCCAA-3'
Protein context (NP_995308.1, residues 57-77): SRKLKEAVTL[Tyr67Asn]LRVVRVVDLC

ClinVar aggregate classification (germline): Uncertain significance (1 of 4 stars; one submission).

Conditions:
Distal hereditary motor neuropathy type 2. Identifiers: Orphanet 139525, MedGen C3711384, MeSH C580044, MONDO:0015352.

Submission:

Labcorp Genetics (formerly Invitae), Labcorp
Classification: Uncertain significance for Distal hereditary motor neuropathy type 2. Last evaluated: 2020-01-23. Review status: criteria provided, single submitter. Criteria: Invitae Variant Classification Sherloc (09022015). Collection method: clinical testing. Allele origin: germline.
Comment: This sequence change replaces tyrosine with asparagine at codon 67 of the FBXO38 protein (p.Tyr67Asn). The tyrosine residue is moderately conserved and there is a large physicochemical difference between tyrosine and asparagine. This variant is not present in population databases (ExAC no frequency). This variant has not been reported in the literature in individuals with FBXO38-related conditions. Algorithms developed to predict the effect of missense changes on protein structure and function are either unavailable or do not agree on the potential impact of this missense change (SIFT: "Deleterious"; PolyPhen-2: "Probably Damaging"; Align-GVGD: "Class C0"). In summary, the available evidence is currently insufficient to determine the role of this variant in disease. Therefore, it has been classified as a Variant of Uncertain Significance.